The following is an entry in ClinVar:

ClinVar aggregate classification (germline): Likely pathogenic (1 of 4 stars; one submission).

Conditions:
Nemaline myopathy 2 (NEM2). Also called: Nemaline myopathy 2, autosomal recessive. Identifiers: MedGen C1850569, MONDO:0009725, OMIM 256030.

Submission:

Natera, Inc.
Classification: Likely pathogenic for Nemaline myopathy type 2. Last evaluated: 2025-06-24. Review status: criteria provided, single submitter. Criteria: Natera Variant Classification Schema (03/2026). Collection method: clinical testing. Allele origin: germline.
Comment: The c.3600_3601delinsAT variant in NEB is a deletion-insertion (delins) variant predicted to replace one or more nucleotides with a different sequence. This variant is expected to result in nonsense mediated decay, truncation, or a dysfunctional protein product. This variant is rare in the general population with a frequency below the threshold expected for the associated phenotype(s). Given the available evidence, this variant is classified as Likely Pathogenic.

NM_001164508.2(NEB):c.3600_3601delinsAT (p.Met1200_Lys1201delinsIleTer)

Gene: NEB (nebulin; minus strand). Cytogenetic location: 2q23.3.
Variant type: Indel.
Coding change: c.3600_3601delinsAT on transcript NM_001164508.2 (MANE Select); coding-DNA positions 3600 to 3601, GA replaced by AT.
Protein change: p.Met1200_Lys1201delinsIleTer.
Molecular consequence: nonsense.
Genome position (GRCh38, 1-based): chr2:151,677,738-151,677,739, TC replaced by AT on the plus strand (GA replaced by AT on the coding strand, the reverse complement: NEB is on the minus strand). VCF-style: chr2-151677738-TC-AT. GRCh37 (hg19) VCF-style: chr2-152534252-TC-AT.
Other names: c.3600_3601delinsAT, p.Met1200_Lys1201delinsIleTer (NM_001164507.2, NM_001271208.2, NM_004543.5); c.3600_3601delGAinsAT, p.Met1200_Lys1201delinsIleTer (NM_001271208.1).
Identifiers: ClinVar variation 4814774 (VCV004814774.1).